The following is an entry in ClinVar:

ClinVar aggregate classification (germline): Uncertain significance. Review status: criteria provided, multiple submitters, no conflicts (2 of 4 stars). 3 submissions from 3 submitters: Uncertain significance (3). Last evaluated 2025-09-15.

Conditions:
Spondylodysplastic Ehlers-Danlos syndrome. Identifiers: Orphanet 536471, Orphanet 75496, MedGen C5680154, MONDO:0007526.
Inborn genetic diseases. Identifiers: MedGen C0950123, MeSH D030342.
Ehlers-Danlos syndrome, spondylodysplastic type, 1 (EDSSPD1). Also called: Ehlers-Danlos syndrome progeroid type; DERMATAN SULFATE PROTEOGLYCAN; EHLERS-DANLOS SYNDROME, PROGEROID TYPE, 1; GALACTOSYLTRANSFERASE I DEFICIENCY; PDS, DEFECTIVE BIOSYNTHESIS OF; XGPT DEFICIENCY. Identifiers: Orphanet 75496, MedGen C4552003, MONDO:0020682, OMIM 130070.

Allele frequency attached by ClinVar (database versions not stated): TOPMed below 0.00001; ExAC 0.00001.
gnomAD v4.1: 20 of 1,613,030 alleles (0.0012%); highest among the groups gnomAD compares: South Asian, 0.0099%; no homozygotes.

Submissions (3):

Women's Health and Genetics/Laboratory Corporation of America, LabCorp
Classification: Uncertain significance. Last evaluated: 2025-09-15. Review status: criteria provided, single submitter. Criteria: LabCorp Variant Classification Summary - May 2015. Collection method: clinical testing. Allele origin: germline.
Comment: Variant summary: B4GALT7 c.239C>T (p.Pro80Leu) results in a non-conservative amino acid change in the encoded protein sequence. Algorithms developed to predict the effect of missense changes on protein structure and function are either unavailable or do not agree on the potential impact of this missense change. The variant allele was found at a frequency of 8.2e-06 in 243810 control chromosomes. The available data on variant occurrences in the general population are insufficient to allow any conclusion about variant significance. To our knowledge, no occurrence of c.239C>T in individuals affected with B4GALT7-related conditions and no experimental evidence demonstrating its impact on protein function have been reported. ClinVar contains an entry for this variant (Variation ID: 1921914). Based on the evidence outlined above, the variant was classified as uncertain significance.

Ambry Genetics
Classification: Uncertain significance for Inborn genetic diseases. Last evaluated: 2023-05-31. Review status: criteria provided, single submitter. Criteria: Ambry Variant Classification Scheme 2023. Collection method: clinical testing. Allele origin: germline.

Labcorp Genetics (formerly Invitae), Labcorp
Classification: Uncertain significance for Spondylodysplastic Ehlers-Danlos syndrome. Last evaluated: 2022-02-21. Review status: criteria provided, single submitter. Criteria: Invitae Variant Classification Sherloc (09022015). Collection method: clinical testing. Allele origin: germline.
Comment: In summary, the available evidence is currently insufficient to determine the role of this variant in disease. Therefore, it has been classified as a Variant of Uncertain Significance. Algorithms developed to predict the effect of missense changes on protein structure and function output the following: SIFT: "Tolerated"; PolyPhen-2: "Benign"; Align-GVGD: "Class C0". The leucine amino acid residue is found in multiple mammalian species, which suggests that this missense change does not adversely affect protein function. This variant has not been reported in the literature in individuals affected with B4GALT7-related conditions. This variant is present in population databases (rs777092684, gnomAD 0.003%). This sequence change replaces proline, which is neutral and non-polar, with leucine, which is neutral and non-polar, at codon 80 of the B4GALT7 protein (p.Pro80Leu).

NM_007255.3(B4GALT7):c.239C>T (p.Pro80Leu)

Gene: B4GALT7 (beta-1,4-galactosyltransferase 7; plus strand). Cytogenetic location: 5q35.3.
Variant type: single nucleotide variant.
Coding change: c.239C>T on transcript NM_007255.3 (MANE Select); coding-DNA position 239, C replaced by T.
Protein change: p.Pro80Leu; replaces proline 80 with leucine.
Molecular consequence: missense variant.
Genome position (GRCh38, 1-based): chr5:177,604,367, C>T. VCF-style: chr5-177604367-C-T. GRCh37 (hg19) VCF-style: chr5-177031368-C-T.
Other names: c.239C>T (NM_007255.2); short protein forms P80L.
Identifiers: ClinVar variation 1921914 (VCV001921914.9), dbSNP rs777092684, ClinGen allele CA3586415.
Genomic context (GRCh38, chr5:177,604,367, plus strand): 5'-CAGTCAGGGGACAAGGGCAGGAGACCTCGGGCCCTCCCCGTGCCTGCCCCCCAGAGCCGC[C>T]CCCTGAGCACTGGGAAGAAGACGCATCCTGGGGCCCCCACCGCCTGGCAGTGCTGGTGCC-3'
Protein context (NP_009186.1, residues 70-90): GPPRACPPEP[Pro80Leu]PEHWEEDASW